The following is an entry in ClinVar:

NM_001365999.1(SZT2):c.6305C>A (p.Ser2102Tyr)

Gene: SZT2 (SZT2 subunit of KICSTOR complex; plus strand). Cytogenetic location: 1p34.2.
Variant type: single nucleotide variant.
Coding change: c.6305C>A on transcript NM_001365999.1 (MANE Select); coding-DNA position 6305, C replaced by A.
Protein change: p.Ser2102Tyr; replaces serine 2102 with tyrosine.
Molecular consequence: missense variant.
Genome position (GRCh38, 1-based): chr1:43,437,609, C>A. VCF-style: chr1-43437609-C-A. GRCh37 (hg19) VCF-style: chr1-43903280-C-A.
Other names: c.6134C>A, p.Ser2045Tyr (NM_015284.4); short protein forms S2102Y, S2045Y.
Identifiers: ClinVar variation 4740408 (VCV004740408.1).

ClinVar aggregate classification (germline): Uncertain significance (1 of 4 stars; one submission).

Submission:

Labcorp Genetics (formerly Invitae), Labcorp
Classification: Uncertain significance. Last evaluated: 2025-08-11. Review status: criteria provided, single submitter. Criteria: Invitae Variant Classification Sherloc (09022015). Collection method: clinical testing. Allele origin: germline.
Comment: This sequence change replaces serine, which is neutral and polar, with tyrosine, which is neutral and polar, at codon 2045 of the SZT2 protein (p.Ser2045Tyr). This variant is not present in population databases (gnomAD no frequency). This variant has not been reported in the literature in individuals affected with SZT2-related conditions. Invitae Evidence Modeling of protein sequence and biophysical properties (such as structural, functional, and spatial information, amino acid conservation, physicochemical variation, residue mobility, and thermodynamic stability) has been performed for this missense variant. However, the output from this modeling did not meet the statistical confidence thresholds required to predict the impact of this variant on SZT2 protein function. In summary, the available evidence is currently insufficient to determine the role of this variant in disease. Therefore, it has been classified as a Variant of Uncertain Significance.